The following is an entry in ClinVar:

NM_000038.6(APC):c.646-4009A>C

Gene: APC (APC regulator of WNT signaling pathway; plus strand). Cytogenetic location: 5q22.2.
Variant type: single nucleotide variant.
Coding change: c.646-4009A>C on transcript NM_000038.6 (MANE Select); 4009 bases into the intron before coding-DNA position 646, A replaced by C.
Molecular consequence: intron variant.
Genome position (GRCh38, 1-based): chr5:112,788,437, A>C. VCF-style: chr5-112788437-A-C. GRCh37 (hg19) VCF-style: chr5-112124134-A-C.
Other names: c.646-4009A>C (NM_001354895.2, NM_001127510.3, NM_001354896.2 and 1 more transcripts); c.676-4009A>C (NM_001354897.2, NM_001354902.2); c.675+7534A>C (NM_001127511.3); c.571-4009A>C (NM_001354898.2, NM_001354904.2); c.-390-4009A>C (NM_001354906.2); c.645+7534A>C (NM_001354899.2); c.469-4009A>C (NM_001354900.2, NM_001354901.2, NM_001354905.2).
Identifiers: ClinVar variation 82979 (VCV000082979.2), dbSNP rs75508184, ClinGen allele CA011881.

ClinVar aggregate classification (germline): other (0 of 4 stars; one submission).

Conditions:
Familial colorectal cancer. Identifiers: MedGen CN280943, MONDO:0023113. Disease mechanism: loss of function.

Submission:

Systems Biology Platform Zhejiang California International NanoSystems Institute
Classification: other for Familial colorectal cancer. Review status: no assertion criteria provided. Collection method: not provided. Allele origin: unknown.
ClinVar note: Converted during submission from cancer to other.